The following is an entry in ClinVar:

NM_017802.4(DNAAF5):c.781G>A (p.Val261Ile)

Gene: DNAAF5 (dynein axonemal assembly factor 5; plus strand). Cytogenetic location: 7p22.3.
Variant type: single nucleotide variant.
Coding change: c.781G>A on transcript NM_017802.4 (MANE Select); coding-DNA position 781, G replaced by A.
Protein change: p.Val261Ile; replaces valine 261 with isoleucine.
Molecular consequence: missense variant. On other transcripts: non-coding transcript variant (1).
Genome position (GRCh38, 1-based): chr7:740,819, G>A. VCF-style: chr7-740819-G-A. GRCh37 (hg19) VCF-style: chr7-780456-G-A.
Other names: p.Val261Ile; short protein forms V261I.
Identifiers: ClinVar variation 525340 (VCV000525340.18), dbSNP rs138915052, ClinGen allele CA4110458.

ClinVar aggregate classification (germline): Conflicting classifications of pathogenicity. Review status: criteria provided, conflicting classifications (1 of 4 stars). 6 submissions from 6 submitters: Uncertain significance (1); Likely benign (4). 1 of the submissions does not count toward it. Last evaluated 2026-01-27.

Conditions:
DNAAF5-related disorder. Also called: DNAAF5-related condition.
Primary ciliary dyskinesia 18. Also called: CILIARY DYSKINESIA, PRIMARY, 18, WITH OR WITHOUT SITUS INVERSUS. Identifiers: Orphanet 244, MedGen C3543825, MONDO:0013940, OMIM 614874.
Primary ciliary dyskinesia. Also called: Ciliary dyskinesia. Identifiers: Orphanet 244, MedGen C0008780, MONDO:0016575, HP:0012265.

Allele frequency attached by ClinVar (database versions not stated): 1000 Genomes Project 30x 0.00016; 1000 Genomes Project 0.00020; ExAC 0.00041; ESP Exome Variant Server 0.00046; gnomAD exomes 0.00062 and 0.00080; gnomAD 0.00063; TOPMed 0.00070.

Submissions (6):

Labcorp Genetics (formerly Invitae), Labcorp
Classification: Likely benign for Primary ciliary dyskinesia. Last evaluated: 2026-01-27. Review status: criteria provided, single submitter. Criteria: Invitae Variant Classification Sherloc (09022015). Collection method: clinical testing. Allele origin: germline.

Mayo Clinic Laboratories, Mayo Clinic
Classification: Likely benign. Last evaluated: 2025-06-10. Review status: criteria provided, single submitter. Criteria: ACMG Guidelines, 2015. Collection method: clinical testing. Allele origin: germline. Observed: 1 variant allele.
Comment: BS1, BP1, PP3

Blueprint Genetics
Classification: Likely benign. Last evaluated: 2024-11-05. Review status: criteria provided, single submitter. Criteria: ACMG Guidelines, 2015. Collection method: clinical testing. Allele origin: germline.

Ambry Genetics
Classification: Likely benign for Primary ciliary dyskinesia. Last evaluated: 2022-03-11. Review status: criteria provided, single submitter. Criteria: Ambry Variant Classification Scheme 2023. Collection method: clinical testing. Allele origin: germline.

Fulgent Genetics
Classification: Uncertain significance for Primary ciliary dyskinesia 18. Last evaluated: 2018-10-31. Review status: criteria provided, single submitter. Criteria: ACMG Guidelines, 2015. Collection method: clinical testing. Allele origin: unknown.

PreventionGenetics, part of Exact Sciences
Classification: Likely benign for DNAAF5-related condition. Last evaluated: 2023-07-31. Review status: no assertion criteria provided. Collection method: clinical testing. Allele origin: germline. Not counted in ClinVar's aggregate classification.
Comment: This variant is classified as likely benign based on ACMG/AMP sequence variant interpretation guidelines (Richards et al. 2015 PMID: 25741868, with internal and published modifications).